The following is an entry in ClinVar:

ClinVar aggregate classification (germline): Uncertain significance. Review status: criteria provided, multiple submitters, no conflicts (2 of 4 stars). 2 submissions from 2 submitters: Uncertain significance (2). Last evaluated 2021-12-03.

Conditions:
Hereditary cancer-predisposing syndrome. Also called: Hereditary neoplastic syndrome; Neoplastic Syndromes, Hereditary; Tumor predisposition; Hereditary Cancer Syndrome. Identifiers: Orphanet 140162, MedGen C0027672, MeSH D009386, MONDO:0015356.

Submissions (2):

Ambry Genetics
Classification: Uncertain significance for Hereditary cancer-predisposing syndrome. Last evaluated: 2021-12-03. Review status: criteria provided, single submitter. Criteria: Ambry Variant Classification Scheme 2023. Collection method: clinical testing. Allele origin: germline.
Comment: The p.E146D variant (also known as c.438G>C), located in coding exon 3 of the FLCN gene, results from a G to C substitution at nucleotide position 438. The glutamic acid at codon 146 is replaced by aspartic acid, an amino acid with highly similar properties. This amino acid position is highly conserved in available vertebrate species. In addition, the in silico prediction for this alteration is inconclusive. Since supporting evidence is limited at this time, the clinical significance of this alteration remains unclear.

Institute for Clinical Genetics, University Hospital TU Dresden, University Hospital TU Dresden
Classification: Uncertain significance. Last evaluated: 2021-11-03. Review status: criteria provided, single submitter. Criteria: ACMG Guidelines, 2015. Collection method: clinical testing. Allele origin: germline.

NM_144997.7(FLCN):c.438G>C (p.Glu146Asp)

Gene: FLCN (folliculin; minus strand). Cytogenetic location: 17p11.2.
Variant type: single nucleotide variant.
Coding change: c.438G>C on transcript NM_144997.7 (MANE Select); coding-DNA position 438, G replaced by C.
Protein change: p.Glu146Asp; replaces glutamic acid 146 with aspartic acid.
Molecular consequence: missense variant.
Genome position (GRCh38, 1-based): chr17:17,224,102, C>G on the plus strand (G>C on the coding strand, the complement: FLCN is on the minus strand). VCF-style: chr17-17224102-C-G. GRCh37 (hg19) VCF-style: chr17-17127416-C-G.
Other names: c.492G>C, p.Glu164Asp (NM_001353229.2); c.438G>C, p.Glu146Asp (NM_001353230.2, NM_001353231.2, NM_144606.7); short protein forms E146D, E164D.
Identifiers: ClinVar variation 1319112 (VCV001319112.5), dbSNP rs1436241104, ClinGen allele CA398534565.